The following is an entry in ClinVar:

NM_000062.3(SERPING1):c.937T>C (p.Phe313Leu)

Gene: SERPING1 (serpin family G member 1; plus strand). Cytogenetic location: 11q12.1.
Variant type: single nucleotide variant.
Coding change: c.937T>C on transcript NM_000062.3 (MANE Select); coding-DNA position 937, T replaced by C.
Protein change: p.Phe313Leu; replaces phenylalanine 313 with leucine.
Molecular consequence: missense variant.
Genome position (GRCh38, 1-based): chr11:57,606,455, T>C. VCF-style: chr11-57606455-T-C. GRCh37 (hg19) VCF-style: chr11-57373928-T-C.
Other names: c.937T>C, p.Phe313Leu (NM_001032295.2); short protein forms F313L.
Identifiers: ClinVar variation 3338006 (VCV003338006.3).

ClinVar aggregate classification (germline): Pathogenic/Likely pathogenic. Review status: criteria provided, multiple submitters, no conflicts (2 of 4 stars). 2 submissions from 2 submitters: Pathogenic (1); Likely pathogenic (1). Last evaluated 2024-08-16.

Conditions:
SERPING1-related disorder. Also called: SERPING1-related condition.
Hereditary angioedema type 1 (HAE1). Identifiers: Orphanet 100050, Orphanet 100051, Orphanet 91378, MedGen C2717906, MONDO:0015053, OMIM 106100.

Submissions (2):

DNA-diagnostics Laboratory, Research Centre For Medical Genetics
Classification: Pathogenic for Hereditary angioedema type 1. Last evaluated: 2024-08-16. Review status: criteria provided, single submitter. Criteria: ACMG Guidelines, 2015. Collection method: research. Allele origin: germline. Affected: yes. Observed: 2 variant alleles, 2 heterozygotes. Clinical features observed: Angioedema (HP:0100665), C1 esterase inhibitor deficiency.
Comment: The pathogenic or likely pathogenic SERPING1 gene variants are detected in >90% of the HAE1/2 families and in >80% of the total HAE families (e.g., DOI: 10.1016/j.molimm.2008.05.007, 10.1159/2F000138883, 10.1016/j.molimm.2011.07.010). The same variant has previously been reported in 4 HAE1/2 cases (DOI: 10.1159/000154267, 10.1002/humu.23917, 10.1111/all.15034, 10.1016/j.anai.2021.08.264). Such in silico algorithms as BayesDel, MutPred, REVEL support a deleterious effect of the c.937T>C variant with Moderate evidence of pathogenicity, when choosing at least two identical assessments and using the threshold ranges from ClinGen recommendations (DOI: 10.1016/j.ajhg.2022.10.013). In summary, the c.937T>C variant in SERPING1 meets ACMG/ClinGen SVI guidance criteria to be classified as pathogenic: PP4_Str, PS4_Mod, PP3_Mod, PM2_Sup, PP1

Blueprint Genetics
Classification: Likely pathogenic for SERPING1-related disorders. Last evaluated: 2020-11-27. Review status: criteria provided, single submitter. Criteria: ACMG Guidelines, 2015. Collection method: clinical testing. Allele origin: germline. Affected: yes. Observed: 1 variant allele.

Literature cited by the submitters: DOI 10.1159/000154267 (cited by DNA-diagnostics Laboratory, Research Centre For Medical Genetics); DOI 10.1002/humu.23917 (cited by DNA-diagnostics Laboratory, Research Centre For Medical Genetics); DOI 10.1111/all.15034 (cited by DNA-diagnostics Laboratory, Research Centre For Medical Genetics); DOI 10.1016/j.anai.2021.08.264 (cited by DNA-diagnostics Laboratory, Research Centre For Medical Genetics).